The following continues an entry in ClinVar:

NM_001267550.2(TTN):c.101665G>A (p.Val33889Ile)

ClinVar aggregate classification (germline): Conflicting classifications of pathogenicity. Uncertain significance (2); Benign (11); Likely benign (9).

Submissions 17 to 29 of 29:

Genetic Services Laboratory, University of Chicago
Classification: Likely benign. Last evaluated: 2017-02-02. Review status: criteria provided, single submitter. Criteria: ACMG Guidelines, 2015. Collection method: clinical testing. Allele origin: germline. Affected: no.

Eurofins Ntd Llc (ga)
Classification: Benign. Last evaluated: 2015-06-23. Review status: criteria provided, single submitter. Criteria: EGL Classification Definitions 2015. Collection method: clinical testing. Allele origin: germline. Observed: 3 variant alleles, 3 heterozygotes.

GeneDx
Classification: Benign. Last evaluated: 2013-11-07. Review status: criteria provided, single submitter. Criteria: GeneDx Variant Classification (06012015). Collection method: clinical testing. Allele origin: germline. Affected: yes.
Comment: This variant is considered likely benign or benign based on one or more of the following criteria: it is a conservative change, it occurs at a poorly conserved position in the protein, it is predicted to be benign by multiple in silico algorithms, and/or has population frequency not consistent with disease.

Ambry Genetics
Classification: Likely benign for Cardiovascular phenotype. Last evaluated: 2013-09-24. Review status: criteria provided, single submitter. Criteria: Ambry Autosomal Dominant and X-Linked criteria (10/2015). Collection method: clinical testing. Allele origin: germline. Observed: 1 variant allele.

Biesecker Lab/Clinical Genomics Section, National Institutes of Health
Classification: Benign. Last evaluated: 2013-06-24. Review status: criteria provided, single submitter. Criteria: Ng et al. (Circ Cardiovasc Genet. 2013). Collection method: research. Allele origin: unknown. Observed: 3 variant alleles. Study: ClinSeq.
Comment: The study set was not selected for affection status in relation to any cancer. Pathogenicity categories were based on literature curation. See Pubmed ID:23861362 for details.

Medical sequencing

PreventionGenetics, part of Exact Sciences
Classification: Likely benign. Review status: criteria provided, single submitter. Criteria: ACMG Guidelines, 2015. Collection method: clinical testing. Allele origin: germline.

Clinical Genetics DNA and cytogenetics Diagnostics Lab, Erasmus MC, Erasmus Medical Center
Classification: Benign. Review status: no assertion criteria provided. Collection method: clinical testing. Allele origin: germline. Affected: yes. Study: VKGL Data-share Consensus. Not counted in ClinVar's aggregate classification.

Clinical Genetics, Academic Medical Center
Classification: Benign. Review status: no assertion criteria provided. Collection method: clinical testing. Allele origin: germline. Affected: yes. Study: VKGL Data-share Consensus. Not counted in ClinVar's aggregate classification.

Diagnostic Laboratory, Department of Genetics, University Medical Center Groningen
Classification: Likely benign. Review status: no assertion criteria provided. Collection method: clinical testing. Allele origin: germline. Affected: yes. Study: VKGL Data-share Consensus. Not counted in ClinVar's aggregate classification.

Genome Diagnostics Laboratory, University Medical Center Utrecht
Classification: Benign. Review status: no assertion criteria provided. Collection method: clinical testing. Allele origin: germline. Affected: yes. Study: VKGL Data-share Consensus. Not counted in ClinVar's aggregate classification.

Joint Genome Diagnostic Labs from Nijmegen and Maastricht, Radboudumc and MUMC+
Classification: Benign. Review status: no assertion criteria provided. Collection method: clinical testing. Allele origin: germline. Affected: yes. Study: VKGL Data-share Consensus. Not counted in ClinVar's aggregate classification.

Laboratory of Diagnostic Genome Analysis, Leiden University Medical Center (LUMC)
Classification: Likely benign. Review status: no assertion criteria provided. Collection method: clinical testing. Allele origin: germline. Affected: yes. Study: VKGL Data-share Consensus. Not counted in ClinVar's aggregate classification.

Practice for Gait Abnormalities, David Pomarino, Competency Network Toe Walking C/o Practice Pomarino
Classification: Pathogenic for Tip-toe gait. Review status: no assertion criteria provided. Collection method: clinical testing. Allele origin: germline. Affected: yes. Not counted in ClinVar's aggregate classification.
Comment: Myopathy refers to diseases that affect skeletal Muscles. These diseases attack muscle fibers, making muscles weak. Inherited myopathies are often caused by inheriting an abnormal gene mutation from a parent that causes the disease. Symptoms of congenital myopathies usually start at birth or in early childhood, but may not appear until the teen years or even later in adulthood. Congenital myopathies are somewhat unique compared with other inherited myopathies, as weakness typically affects all muscles and is often not progressive. Symptoms are: Muscle weakness, most commonly of upper arms and shoulders and thighs, muscle cramps, stiffness and spasms, fatigue with exertion and lack of energy. Our patients all walk on tiptoe, so they show similar symptoms. When we genetically test them with our toe walking panel, we find that around 90 per cent of them have a genetic variant that explains their toe walking. These can be assigned, for example, to the area of myopathies (such as variants of the COL6A3 gene), the area of hereditary neuropathies (such as variants of the KMT2C gene) or the area of metabolic diseases (such as variants of the PYGM gene). In a smaller group of patients with almost identical symptoms, no abnormality is found in the genes of our panel, but spastic paraplegia can be detected. In another small group of our toe walkers, no abnormalities can be detected in the genes analysed in our toe walking panel, nor do they suffer from spastic paraplegia, as is also the case with healthy children. In contrast to these, however, they show a tiptoe gait. These patients suffer from infantile cerebral palsy, in which toe walking can also be observed

Literature cited by the submitters: PubMed 24503780 (cited by Women's Health and Genetics/Laboratory Corporation of America, LabCorp and Athena Diagnostics); PubMed 28600387 (cited by Women's Health and Genetics/Laboratory Corporation of America, LabCorp); PubMed 26516846 (cited by Women's Health and Genetics/Laboratory Corporation of America, LabCorp); PubMed 17344846 (cited by Athena Diagnostics); PubMed 23861362 (cited by Athena Diagnostics); PubMed 27930701 (cited by Athena Diagnostics); PubMed 24271327 (cited by Athena Diagnostics and Illumina Laboratory Services, Illumina); PubMed 37091313 (cited by Practice for Gait Abnormalities, David Pomarino, Competency Network Toe Walking C/o Practice Pomarino).